The following is an entry in ClinVar:

NM_001033855.3(DCLRE1C):c.1439A>T (p.Gln480Leu)

Gene: DCLRE1C (DNA cross-link repair 1C; minus strand). Cytogenetic location: 10p13.
Variant type: single nucleotide variant.
Coding change: c.1439A>T on transcript NM_001033855.3 (MANE Select); coding-DNA position 1439, A replaced by T.
Protein change: p.Gln480Leu; replaces glutamine 480 with leucine.
Molecular consequence: missense variant. On other transcripts: non-coding transcript variant (4).
Genome position (GRCh38, 1-based): chr10:14,909,048, T>A on the plus strand (A>T on the coding strand, the complement: DCLRE1C is on the minus strand). VCF-style: chr10-14909048-T-A. GRCh37 (hg19) VCF-style: chr10-14951047-T-A.
Other names: c.1079A>T, p.Gln360Leu (NM_001033857.3, NM_001033858.3, NM_001289077.2 and 2 more transcripts); c.1094A>T, p.Gln365Leu (NM_001289076.2, NM_001289078.2, NM_001350966.2 and 1 more transcripts); c.1439A>T, p.Gln480Leu (NM_001350965.2); short protein forms Q360L, Q365L, Q480L.
Identifiers: ClinVar variation 2187034 (VCV002187034.1), dbSNP rs765379729, ClinGen allele CA376075595.

ClinVar aggregate classification (germline): Uncertain significance (1 of 4 stars; one submission).

Conditions:
Severe combined immunodeficiency due to DCLRE1C deficiency (RS-SCID). Also called: SCID, AUTOSOMAL RECESSIVE, T CELL-NEGATIVE, B CELL-NEGATIVE, NK CELL-POSITIVE, WITH SENSITIVITY TO IONIZING RADIATION. Identifiers: Orphanet 275, MedGen C1865371, MONDO:0011225, OMIM 602450.

Allele frequency attached by ClinVar (database versions not stated): gnomAD 0.00001; TOPMed 0.00001.
gnomAD v4.1: 17 of 1,614,096 alleles (0.0011%); highest among the groups gnomAD compares: Non-Finnish European, 0.0014%; no homozygotes.

Submission:

Labcorp Genetics (formerly Invitae), Labcorp
Classification: Uncertain significance for Athabaskan severe combined immunodeficiency. Last evaluated: 2022-07-25. Review status: criteria provided, single submitter. Criteria: Invitae Variant Classification Sherloc (09022015). Collection method: clinical testing. Allele origin: germline.
Comment: This sequence change replaces glutamine, which is neutral and polar, with leucine, which is neutral and non-polar, at codon 480 of the DCLRE1C protein (p.Gln480Leu). This variant is not present in population databases (gnomAD no frequency). This variant has not been reported in the literature in individuals affected with DCLRE1C-related conditions. Algorithms developed to predict the effect of missense changes on protein structure and function (SIFT, PolyPhen-2, Align-GVGD) all suggest that this variant is likely to be tolerated. In summary, the available evidence is currently insufficient to determine the role of this variant in disease. Therefore, it has been classified as a Variant of Uncertain Significance.